The following is an entry in ClinVar:

ClinVar aggregate classification (germline): Uncertain significance. Review status: criteria provided, multiple submitters, no conflicts (2 of 4 stars). 2 submissions from 2 submitters: Uncertain significance (2). Last evaluated 2025-10-02.

Conditions:
Inborn genetic diseases. Identifiers: MedGen C0950123, MeSH D030342.

Allele frequency attached by ClinVar (database versions not stated): TOPMed 0.00004; gnomAD 0.00009 and 0.00008; gnomAD exomes 0.00013 and 0.00005; ESP Exome Variant Server 0.00023; ExAC 0.00004.
gnomAD v4.1: 207 of 1,612,956 alleles (0.013%); highest among the groups gnomAD compares: Non-Finnish European, 0.017%; no homozygotes.

Submissions (2):

Ambry Genetics
Classification: Uncertain significance for Inborn genetic diseases. Last evaluated: 2025-10-02. Review status: criteria provided, single submitter. Criteria: Ambry Variant Classification Scheme 2023. Collection method: clinical testing. Allele origin: germline.

Labcorp Genetics (formerly Invitae), Labcorp
Classification: Uncertain significance. Last evaluated: 2022-09-07. Review status: criteria provided, single submitter. Criteria: Invitae Variant Classification Sherloc (09022015). Collection method: clinical testing. Allele origin: germline.
Comment: Algorithms developed to predict the effect of missense changes on protein structure and function are either unavailable or do not agree on the potential impact of this missense change (SIFT: "Deleterious"; PolyPhen-2: "Benign"; Align-GVGD: "Class C0"). In summary, the available evidence is currently insufficient to determine the role of this variant in disease. Therefore, it has been classified as a Variant of Uncertain Significance. ClinVar contains an entry for this variant (Variation ID: 1026322). This variant has not been reported in the literature in individuals affected with INPPL1-related conditions. This variant is present in population databases (rs368682947, gnomAD 0.01%). This sequence change replaces glutamic acid, which is acidic and polar, with glycine, which is neutral and non-polar, at codon 936 of the INPPL1 protein (p.Glu936Gly).

NM_001567.4(INPPL1):c.2807A>G (p.Glu936Gly)

Gene: INPPL1 (inositol polyphosphate phosphatase like 1; plus strand). Cytogenetic location: 11q13.4.
Variant type: single nucleotide variant.
Coding change: c.2807A>G on transcript NM_001567.4 (MANE Select); coding-DNA position 2807, A replaced by G.
Protein change: p.Glu936Gly; replaces glutamic acid 936 with glycine.
Molecular consequence: missense variant.
Genome position (GRCh38, 1-based): chr11:72,235,914, A>G. VCF-style: chr11-72235914-A-G. GRCh37 (hg19) VCF-style: chr11-71946958-A-G.
Other names: c.2807A>G (NM_001567.3); short protein forms E936G.
Identifiers: ClinVar variation 1026322 (VCV001026322.6), dbSNP rs368682947, ClinGen allele CA6170471.